The following is an entry in ClinVar:

ClinVar aggregate classification (germline): Uncertain significance (1 of 4 stars; one submission).

Conditions:
Menkes kinky-hair syndrome (MNK). Also called: Copper transport disease; Menkes Disease; Classic Menkes Disease. Identifiers: Orphanet 565, MedGen C0022716, MONDO:0010651, OMIM 309400.
Cutis laxa, X-linked (OHS). Also called: EDS IX; Occipital horn syndrome. Identifiers: Orphanet 198, MedGen C0268353, MONDO:0010572, OMIM 304150.
X-linked distal spinal muscular atrophy type 3. Also called: NEURONOPATHY, DISTAL HEREDITARY MOTOR, X-LINKED; NEUROPATHY, DISTAL HEREDITARY MOTOR, X-LINKED; ATP7A-Related Distal Motor Neuropathy; SPINAL MUSCULAR ATROPHY, DISTAL, X-LINKED RECESSIVE. Identifiers: Orphanet 139557, MedGen C1845359, MONDO:0010338, OMIM 300489.

Submission:

Labcorp Genetics (formerly Invitae), Labcorp
Classification: Uncertain significance for X-linked distal spinal muscular atrophy type 3; Cutis laxa, X-linked; Menkes kinky-hair syndrome. Last evaluated: 2024-07-31. Review status: criteria provided, single submitter. Criteria: Invitae Variant Classification Sherloc (09022015). Collection method: clinical testing. Allele origin: germline.
Comment: This sequence change replaces isoleucine, which is neutral and non-polar, with valine, which is neutral and non-polar, at codon 1165 of the ATP7A protein (p.Ile1165Val). This variant is not present in population databases (gnomAD no frequency). This variant has not been reported in the literature in individuals affected with ATP7A-related conditions. Advanced modeling of protein sequence and biophysical properties (such as structural, functional, and spatial information, amino acid conservation, physicochemical variation, residue mobility, and thermodynamic stability) performed at Invitae indicates that this missense variant is not expected to disrupt ATP7A protein function with a negative predictive value of 95%. In summary, the available evidence is currently insufficient to determine the role of this variant in disease. Therefore, it has been classified as a Variant of Uncertain Significance.

NM_000052.7(ATP7A):c.3493A>G (p.Ile1165Val)

Gene: ATP7A (ATPase copper transporting alpha; plus strand). Cytogenetic location: Xq21.1.
Variant type: single nucleotide variant.
Coding change: c.3493A>G on transcript NM_000052.7 (MANE Select); coding-DNA position 3493, A replaced by G.
Protein change: p.Ile1165Val; replaces isoleucine 1165 with valine.
Molecular consequence: missense variant. On other transcripts: non-coding transcript variant (1).
Genome position (GRCh38, 1-based): chrX:78,033,803, A>G. VCF-style: chrX-78033803-A-G. GRCh37 (hg19) VCF-style: chrX-77289301-A-G.
Other names: c.3259A>G, p.Ile1087Val (NM_001282224.2); short protein forms I1087V, I1165V.
Identifiers: ClinVar variation 3762778 (VCV003762778.2).